The following is an entry in ClinVar:

NM_000426.4(LAMA2):c.3941A>G (p.Tyr1314Cys)

Gene: LAMA2 (laminin subunit alpha 2; plus strand). Cytogenetic location: 6q22.33.
Variant type: single nucleotide variant.
Coding change: c.3941A>G on transcript NM_000426.4 (MANE Select); coding-DNA position 3941, A replaced by G.
Protein change: p.Tyr1314Cys; replaces tyrosine 1314 with cysteine.
Molecular consequence: missense variant.
Genome position (GRCh38, 1-based): chr6:129,316,054, A>G. VCF-style: chr6-129316054-A-G. GRCh37 (hg19) VCF-style: chr6-129637199-A-G.
Other names: c.3941A>G, p.Tyr1314Cys (NM_001079823.2); short protein forms Y1314C.
Identifiers: ClinVar variation 1443626 (VCV001443626.5), dbSNP rs758730539, ClinGen allele CA3993400.

ClinVar aggregate classification (germline): Uncertain significance (1 of 4 stars; one submission).

Conditions:
LAMA2-related muscular dystrophy (LAMA2-RD). Also called: Laminin alpha 2-related dystrophy. Identifiers: MedGen C5679788, MONDO:0100228.

Allele frequency attached by ClinVar (database versions not stated): gnomAD exomes below 0.00001 and 0.00001; ExAC 0.00001; gnomAD 0.00001.
gnomAD v4.1: 6 of 1,614,014 alleles (0.00037%); highest among the groups gnomAD compares: Admixed American, 0.0033%; no homozygotes.

Submission:

Labcorp Genetics (formerly Invitae), Labcorp
Classification: Uncertain significance for LAMA2-related muscular dystrophy. Last evaluated: 2021-09-24. Review status: criteria provided, single submitter. Criteria: Invitae Variant Classification Sherloc (09022015). Collection method: clinical testing. Allele origin: germline.
Comment: This sequence change replaces tyrosine with cysteine at codon 1314 of the LAMA2 protein (p.Tyr1314Cys). The tyrosine residue is weakly conserved and there is a large physicochemical difference between tyrosine and cysteine. This variant is present in population databases (rs758730539, ExAC 0.006%). This variant has not been reported in the literature in individuals with LAMA2-related conditions. Algorithms developed to predict the effect of missense changes on protein structure and function are either unavailable or do not agree on the potential impact of this missense change (SIFT: "Tolerated"; PolyPhen-2: "Possibly Damaging"; Align-GVGD: "Class C0"). In summary, the available evidence is currently insufficient to determine the role of this variant in disease. Therefore, it has been classified as a Variant of Uncertain Significance.